The following is an entry in ClinVar:

NM_004006.3(DMD):c.1705-2A>G

Gene: DMD (dystrophin; minus strand). Cytogenetic location: Xp21.1.
Variant type: single nucleotide variant.
Coding change: c.1705-2A>G on transcript NM_004006.3 (MANE Select); the canonical splice acceptor site of the intron before coding-DNA position 1705, A replaced by G.
Molecular consequence: splice acceptor variant.
Genome position (GRCh38, 1-based): chrX:32,573,639, T>C on the plus strand (A>G on the coding strand, the complement: DMD is on the minus strand). VCF-style: chrX-32573639-T-C. GRCh37 (hg19) VCF-style: chrX-32591756-T-C.
Other names: c.1681-2A>G (NM_000109.4); c.1693-2A>G (NM_004009.3); c.1336-2A>G (NM_004010.3).
Identifiers: ClinVar variation 653035 (VCV000653035.15), dbSNP rs1601809011, ClinGen allele CA412673308.

ClinVar aggregate classification (germline): Pathogenic/Likely pathogenic. Review status: criteria provided, multiple submitters, no conflicts (2 of 4 stars). 4 submissions from 4 submitters: Pathogenic (2); Likely pathogenic (2). Last evaluated 2026-05-27.

Conditions:
Becker muscular dystrophy, Cardiomyopathy, Duchenne muscular dystrophy, Dystrophin deficiency.
Becker muscular dystrophy (BMD). Also called: MUSCULAR DYSTROPHY, PSEUDOHYPERTROPHIC PROGRESSIVE, BECKER TYPE; Becker Muscular Dystrophy (BMD). Identifiers: Orphanet 98895, MedGen C0917713, MONDO:0010311, OMIM 300376.
Duchenne muscular dystrophy (DMD). Also called: MUSCULAR DYSTROPHY, PSEUDOHYPERTROPHIC PROGRESSIVE, DUCHENNE TYPE; Duchenne Muscular Dystrophy (DMD). Identifiers: Orphanet 98896, MedGen C0013264, MONDO:0010679, OMIM 310200.
Neuromuscular disease caused by qualitative or quantitative defects of dystrophin. Also called: Qualitative or quantitative defects of dystrophin. Identifiers: Orphanet 207085, MedGen C5679787, MONDO:0016147.

Submissions (4):

Women's Health and Genetics/Laboratory Corporation of America, LabCorp
Classification: Pathogenic for Neuromuscular disease caused by qualitative or quantitative defects of dystrophin. Last evaluated: 2026-05-27. Review status: criteria provided, single submitter. Criteria: LabCorp Variant Classification Summary - May 2015. Collection method: clinical testing. Allele origin: germline.
Comment: Variant summary: DMD c.1705-2A>G is located in a canonical splice-site and is predicted to affect mRNA splicing resulting in a significantly altered protein due to either exon skipping, shortening, or inclusion of intronic material. Variants that disrupt the consensus splice site are a relatively common cause of aberrant splicing and loss of DMD function. Several computational tools predict a significant impact on normal splicing: Four predict the variant abolishes a canonical 3' acceptor site, two predict the variant creates a cryptic 3' acceptor site, and two predict the variant strengthens a cryptic 3' acceptor site. However, these predictions have yet to be confirmed by functional studies. The variant was absent in 183024 control chromosomes. c.1705-2A>G has been observed in at least one individual affected with DMD-related conditions (example: Cavdarli_2023). To our knowledge, no experimental evidence demonstrating an impact on protein function has been reported. A different splice variant affecting the canonical splice acceptor site (c.1705-1G>T) has been classified as Pathogenic by our lab. The following publication has been ascertained in the context of this evaluation (PMID: 36575883). ClinVar contains an entry for this variant (Variation ID: 653035). Based on the evidence outlined above, the variant was classified as pathogenic.

Natera, Inc.
Classification: Likely pathogenic for Becker muscular dystrophy, Cardiomyopathy, Duchenne muscular dystrophy, Dystrophin deficiency. Last evaluated: 2024-05-27. Review status: criteria provided, single submitter. Criteria: Natera Variant Classification Schema (03/2026). Collection method: clinical testing. Allele origin: germline.
Comment: The c.1705-2A>G variant in DMD is a canonical splice acceptor site variant predicted to affect pre-mRNA splicing, which may result in an abnormal transcript and altered protein product. This variant is expected to result in nonsense mediated decay, truncation, or a dysfunctional protein product. This variant is rare in the general population with a frequency below the threshold expected for the associated phenotype(s). Given the available evidence, this variant is classified as Likely Pathogenic.

MGZ Medical Genetics Center
Classification: Likely pathogenic for Becker muscular dystrophy. Last evaluated: 2021-11-11. Review status: criteria provided, single submitter. Criteria: ACMG Guidelines, 2015. Collection method: clinical testing. Allele origin: germline. Affected: yes. Observed: 1 variant allele.
Comment: ACMG criteria applied: PVS1, PM2_SUP

Labcorp Genetics (formerly Invitae), Labcorp
Classification: Pathogenic for Duchenne muscular dystrophy. Last evaluated: 2020-09-24. Review status: criteria provided, single submitter. Criteria: Invitae Variant Classification Sherloc (09022015). Collection method: clinical testing. Allele origin: germline.
Comment: This sequence change affects an acceptor splice site in intron 14 of the DMD gene. It is expected to disrupt RNA splicing and likely results in an absent or disrupted protein product. This variant is not present in population databases (ExAC no frequency). For these reasons, this variant has been classified as Pathogenic. Donor and acceptor splice site variants typically lead to a loss of protein function (PMID: 16199547), and loss-of-function variants in DMD are known to be pathogenic (PMID: 16770791, 25007885). Algorithms developed to predict the effect of sequence changes on RNA splicing suggest that this variant may disrupt the consensus splice site, but this prediction has not been confirmed by published transcriptional studies.

Literature cited by the submitters: PubMed 36575883 (cited by Women's Health and Genetics/Laboratory Corporation of America, LabCorp); PubMed 16199547 (cited by Labcorp Genetics (formerly Invitae), Labcorp); PubMed 16770791 (cited by Labcorp Genetics (formerly Invitae), Labcorp); PubMed 25007885 (cited by Labcorp Genetics (formerly Invitae), Labcorp).